The following is an entry in ClinVar:

NC_000015.9:g.(?_25584284)_(25585395_?)dup

Gene: UBE3A (ubiquitin protein ligase E3A; minus strand). Cytogenetic location: 15q11.2.
Variant type: Duplication.
Identifiers: ClinVar variation 1448075 (VCV001448075.5).

ClinVar aggregate classification (germline): Uncertain significance (1 of 4 stars; one submission).

Conditions:
Angelman syndrome (AS). Also called: HAPPY PUPPET SYNDROME. Identifiers: Orphanet 72, MedGen C0162635, MONDO:0007113, OMIM 105830. Disease mechanism: loss of function. Inheritance: imprinting disorder, AS is caused by disruption of maternally imprinted UBE3A located within the 15q11.2-q13 Angelman syndrome/Prader-Willi syndrome (AS/PWS) region..

Submission:

Labcorp Genetics (formerly Invitae), Labcorp
Classification: Uncertain significance for Angelman syndrome. Last evaluated: 2023-04-10. Review status: criteria provided, single submitter. Criteria: Invitae Variant Classification Sherloc (09022015). Collection method: clinical testing. Allele origin: germline.
Comment: In summary, the available evidence is currently insufficient to determine the role of this variant in disease. Therefore, it has been classified as a Variant of Uncertain Significance. Experimental studies and prediction algorithms are not available or were not evaluated, and the functional significance of this variant is currently unknown. This variant has not been reported in the literature in individuals affected with UBE3A-related conditions. This variant results in a copy number gain of the genomic region encompassing exon(s) 9-10 of the UBE3A gene. This region includes the termination codon of the gene. This copy number gain extends beyond the assayed region for this gene and therefore may encompass additional genes. As the precise location of this event is unknown, it may be in tandem or it may be located elsewhere in the genome.